The following is an entry in ClinVar:

ClinVar aggregate classification (germline): Benign/Likely benign. Review status: criteria provided, multiple submitters, no conflicts (2 of 4 stars). 2 submissions from 2 submitters: Benign (1); Likely benign (1). Last evaluated 2024-11-05.

Conditions:
Multiple endocrine neoplasia, type 1 (MEN1). Also called: MEN I; WERMER SYNDROME; Endocrine adenomatosis multiple; MEN 1; MEA I. Identifiers: Orphanet 652, MedGen C0025267, MeSH D018761, MONDO:0007540, OMIM 131100.

Submissions (2):

Myriad Genetics, Inc.
Classification: Benign for Multiple endocrine neoplasia, type 1. Last evaluated: 2024-11-05. Review status: criteria provided, single submitter. Criteria: Myriad Autosomal Dominant, Autosomal Recessive and X-Linked Classification Criteria (2023). Collection method: clinical testing. Allele origin: unknown.
Comment: This variant is considered benign. This variant is a silent/synonymous amino acid change and it is not expected to impact splicing.

Labcorp Genetics (formerly Invitae), Labcorp
Classification: Likely benign for Multiple endocrine neoplasia, type 1. Last evaluated: 2022-12-22. Review status: criteria provided, single submitter. Criteria: Invitae Variant Classification Sherloc (09022015). Collection method: clinical testing. Allele origin: germline.

NM_001370259.2(MEN1):c.1359G>A (p.Gln453=)

Gene: MEN1 (menin 1; minus strand). Cytogenetic location: 11q13.1.
Variant type: single nucleotide variant.
Coding change: c.1359G>A on transcript NM_001370259.2 (MANE Select); coding-DNA position 1359, G replaced by A.
Protein change: p.Gln453=; no amino-acid change (glutamine 453 retained).
Molecular consequence: synonymous variant. On other transcripts: non-coding transcript variant (4).
Genome position (GRCh38, 1-based): chr11:64,804,808, C>T on the plus strand (G>A on the coding strand, the complement: MEN1 is on the minus strand). VCF-style: chr11-64804808-C-T. GRCh37 (hg19) VCF-style: chr11-64572280-C-T.
Other names: c.1374G>A, p.Gln458= (NM_000244.4, NM_001407145.1, NM_130800.3 and 4 more transcripts); c.1485G>A, p.Gln495= (NM_001370251.2, NM_001407142.1, NM_001407143.1 and 1 more transcripts); c.1359G>A, p.Gln453= (NM_001370260.2, NM_001370261.2, NM_001407146.1 and 2 more transcripts); c.1254G>A, p.Gln418= (NM_001370262.2, NM_001370263.2, NM_001407148.1 and 1 more transcripts); c.1500G>A, p.Gln500= (NM_001407150.1); c.1380G>A, p.Gln460= (NM_001407151.1); c.1194G>A, p.Gln398= (NM_001407152.1).
Identifiers: ClinVar variation 3011246 (VCV003011246.4), dbSNP rs2136094210, ClinGen allele CA475163713.
Genomic context (GRCh38, chr11:64,804,808, plus strand): 5'-CTCGCCCCACGGCTCCTCGGCCTCGGCCGCCTCGGCCTCTCGGCTCACTATGCGCACCTT[C>T]TGCCGCACCTGGGCCAGTGGGGAGAGCAAGGTGAGAGCAAGGTTGCCGGCCAGTGGCTGG-3'
Protein context (NP_001357188.2, residues 443-463): SLGRFEGQVR[Gln453=]KVRIVSREAE